The following is an entry in ClinVar:

NM_024818.6(UBA5):c.718G>C (p.Asp240His)

Genes: NPHP3-ACAD11 (NPHP3-ACAD11 readthrough (NMD candidate); minus strand), UBA5 (ubiquitin like modifier activating enzyme 5; plus strand). Cytogenetic location: 3q22.1.
Variant type: single nucleotide variant.
Coding change: c.718G>C on transcript NM_024818.6 (MANE Select); coding-DNA position 718, G replaced by C.
Protein change: p.Asp240His; replaces aspartic acid 240 with histidine.
Molecular consequence: missense variant.
Genome position (GRCh38, 1-based): chr3:132,672,083, G>C. VCF-style: chr3-132672083-G-C. GRCh37 (hg19) VCF-style: chr3-132390927-G-C.
Other names: p.Asp240His; c.550G>C, p.Asp184His (NM_001320210.2, NM_198329.4); c.448G>C, p.Asp150His (NM_001321238.2); c.382G>C, p.Asp128His (NM_001321239.1); short protein forms D128H, D150H, D184H, D240H.
Identifiers: ClinVar variation 3379494 (VCV003379494.1).

ClinVar aggregate classification (germline): Uncertain significance (1 of 4 stars; one submission).

gnomAD v4.1: 9 of 1,613,748 alleles (0.00056%); highest among the groups gnomAD compares: East Asian, 0.02%; no homozygotes.

Submission:

Mayo Clinic Laboratories, Mayo Clinic
Classification: Uncertain significance. Last evaluated: 2024-03-06. Review status: criteria provided, single submitter. Criteria: ACMG Guidelines, 2015. Collection method: clinical testing. Allele origin: germline. Observed: 1 variant allele.
Comment: PM2